The following is an entry in ClinVar:

NM_001165963.4(SCN1A):c.253A>G (p.Ile85Val)

Gene: SCN1A (sodium voltage-gated channel alpha subunit 1; minus strand). Cytogenetic location: 2q24.3.
Variant type: single nucleotide variant.
Coding change: c.253A>G on transcript NM_001165963.4 (MANE Select); coding-DNA position 253, A replaced by G.
Protein change: p.Ile85Val; replaces isoleucine 85 with valine.
Molecular consequence: missense variant. On other transcripts: 5 prime UTR variant (1), non-coding transcript variant (1).
Genome position (GRCh38, 1-based): chr2:166,073,369, T>C on the plus strand (A>G on the coding strand, the complement: SCN1A is on the minus strand). VCF-style: chr2-166073369-T-C. GRCh37 (hg19) VCF-style: chr2-166929879-T-C.
Other names: c.253A>G, p.Ile85Val (NM_001165964.3, NM_001202435.3, NM_001353948.2 and 10 more transcripts); c.-2173A>G (NM_001353961.2); short protein forms I85V.
Identifiers: ClinVar variation 652579 (VCV000652579.9), dbSNP rs1574371287, ClinGen allele CA349242648.

ClinVar aggregate classification (germline): Uncertain significance (1 of 4 stars; one submission).

Conditions:
Early-infantile DEE. Also called: Early infantile epileptic encephalopathy with suppression bursts; Early infantile epileptic encephalopathy; Ohtahara syndrome. Identifiers: Orphanet 1934, MedGen C0393706, MONDO:0800491.

Submission:

Labcorp Genetics (formerly Invitae), Labcorp
Classification: Uncertain significance for Early-infantile DEE. Last evaluated: 2022-07-19. Review status: criteria provided, single submitter. Criteria: Invitae Variant Classification Sherloc (09022015). Collection method: clinical testing. Allele origin: germline.
Comment: Advanced modeling of protein sequence and biophysical properties (such as structural, functional, and spatial information, amino acid conservation, physicochemical variation, residue mobility, and thermodynamic stability) performed at Invitae indicates that this missense variant is not expected to disrupt SCN1A protein function. This sequence change replaces isoleucine, which is neutral and non-polar, with valine, which is neutral and non-polar, at codon 85 of the SCN1A protein (p.Ile85Val). This variant is not present in population databases (gnomAD no frequency). This variant has not been reported in the literature in individuals affected with SCN1A-related conditions. ClinVar contains an entry for this variant (Variation ID: 652579). In summary, the available evidence is currently insufficient to determine the role of this variant in disease. Therefore, it has been classified as a Variant of Uncertain Significance.